The following is an entry in ClinVar:

ClinVar aggregate classification (germline): Uncertain significance (1 of 4 stars; one submission).

Conditions:
Cardiovascular phenotype. Identifiers: MedGen CN230736.

gnomAD v4.1: 1 of 1,606,492 alleles (0.000062%); highest among the groups gnomAD compares: Non-Finnish European, 0.000085%; no homozygotes.

Submission:

Ambry Genetics
Classification: Uncertain significance for Cardiovascular phenotype. Last evaluated: 2024-12-21. Review status: criteria provided, single submitter. Criteria: Ambry Variant Classification Scheme 2023. Collection method: clinical testing. Allele origin: germline.
Comment: The p.A43S variant (also known as c.127G>T), located in coding exon 1 of the ABCG5 gene, results from a G to T substitution at nucleotide position 127. The alanine at codon 43 is replaced by serine, an amino acid with similar properties. This amino acid position is conserved. In addition, this alteration is predicted to be tolerated by in silico analysis. Based on the available evidence, the clinical significance of this variant remains unclear.

NM_022436.3(ABCG5):c.127G>T (p.Ala43Ser)

Gene: ABCG5 (ATP binding cassette subfamily G member 5; minus strand). Cytogenetic location: 2p21.
Variant type: single nucleotide variant.
Coding change: c.127G>T on transcript NM_022436.3 (MANE Select); coding-DNA position 127, G replaced by T.
Protein change: p.Ala43Ser; replaces alanine 43 with serine.
Molecular consequence: missense variant.
Genome position (GRCh38, 1-based): chr2:43,838,553, C>A on the plus strand (G>T on the coding strand, the complement: ABCG5 is on the minus strand). VCF-style: chr2-43838553-C-A. GRCh37 (hg19) VCF-style: chr2-44065692-C-A.
Other names: short protein forms A43S.
Identifiers: ClinVar variation 3886733 (VCV003886733.1).